The following is an entry in ClinVar:

ClinVar aggregate classification (germline): Uncertain significance. Review status: criteria provided, multiple submitters, no conflicts (2 of 4 stars). 2 submissions from 2 submitters: Uncertain significance (2). Last evaluated 2026-01-12.

Conditions:
Hereditary cancer-predisposing syndrome. Also called: Neoplastic Syndromes, Hereditary; Tumor predisposition; Hereditary Cancer Syndrome; Hereditary neoplastic syndrome. Identifiers: Orphanet 140162, MedGen C0027672, MeSH D009386, MONDO:0015356.
Tuberous sclerosis 2 (TSC2). Identifiers: Orphanet 805, MedGen C1860707, MONDO:0013199, OMIM 613254.

Allele frequency attached by ClinVar (database versions not stated): gnomAD exomes below 0.00001; gnomAD 0.00001; TOPMed 0.00001.

Submissions (2):

Labcorp Genetics (formerly Invitae), Labcorp
Classification: Uncertain significance for Tuberous sclerosis 2. Last evaluated: 2026-01-12. Review status: criteria provided, single submitter. Criteria: Invitae Variant Classification Sherloc (09022015). Collection method: clinical testing. Allele origin: germline.
Comment: This sequence change replaces valine, which is neutral and non-polar, with glycine, which is neutral and non-polar, at codon 1630 of the TSC2 protein (p.Val1630Gly). This variant is not present in population databases (gnomAD no frequency). This variant has not been reported in the literature in individuals affected with TSC2-related conditions. ClinVar contains an entry for this variant (Variation ID: 1743833). Invitae Evidence Modeling of protein sequence and biophysical properties (such as structural, functional, and spatial information, amino acid conservation, physicochemical variation, residue mobility, and thermodynamic stability) indicates that this missense variant is not expected to disrupt TSC2 protein function with a negative predictive value of 95%. In summary, the available evidence is currently insufficient to determine the role of this variant in disease. Therefore, it has been classified as a Variant of Uncertain Significance.

Ambry Genetics
Classification: Uncertain significance for Hereditary cancer-predisposing syndrome. Last evaluated: 2025-08-28. Review status: criteria provided, single submitter. Criteria: Ambry Variant Classification Scheme 2023. Collection method: clinical testing. Allele origin: germline.
Comment: The p.V1630G variant (also known as c.4889T>G), located in coding exon 37 of the TSC2 gene, results from a T to G substitution at nucleotide position 4889. The valine at codon 1630 is replaced by glycine, an amino acid with dissimilar properties. This amino acid position is not well conserved in available vertebrate species, and glycine is the reference amino acid in other vertebrate species. In addition, the in silico prediction for this alteration is inconclusive. Based on the available evidence, the clinical significance of this variant remains unclear.

NM_000548.5(TSC2):c.4889T>G (p.Val1630Gly)

Gene: TSC2 (TSC complex subunit 2; plus strand). Cytogenetic location: 16p13.3.
Variant type: single nucleotide variant.
Coding change: c.4889T>G on transcript NM_000548.5 (MANE Select); coding-DNA position 4889, T replaced by G.
Protein change: p.Val1630Gly; replaces valine 1630 with glycine.
Molecular consequence: missense variant.
Genome position (GRCh38, 1-based): chr16:2,086,771, T>G. VCF-style: chr16-2086771-T-G. GRCh37 (hg19) VCF-style: chr16-2136772-T-G.
Other names: c.4688T>G, p.Val1563Gly (NM_001077183.3); c.4820T>G, p.Val1607Gly (NM_001114382.3); c.4580T>G, p.Val1527Gly (NM_001318827.2); c.4544T>G, p.Val1515Gly (NM_001318829.2); c.4157T>G, p.Val1386Gly (NM_001318831.2); c.4721T>G, p.Val1574Gly (NM_001318832.2); c.4691T>G, p.Val1564Gly (NM_001363528.2); c.4757T>G, p.Val1586Gly (NM_001370404.1); and 26 more; short protein forms V1139G, V1410G, V1514G, V1526G, V1563G, V1570G, V1587G, V1606G.
Identifiers: ClinVar variation 1743833 (VCV001743833.8), dbSNP rs1281504795, ClinGen allele CA394308379.